The following is an entry in ClinVar:

ClinVar aggregate classification (germline): Benign/Likely benign. Review status: criteria provided, multiple submitters, no conflicts (2 of 4 stars). 3 submissions from 3 submitters: Benign (1); Likely benign (2). Last evaluated 2024-11-11.

Conditions:
Renal cell carcinoma. Identifiers: Orphanet 217071, MedGen C0007134, MeSH D002292, MONDO:0005086, HP:0005584.
Hereditary cancer-predisposing syndrome. Also called: Hereditary Cancer Syndrome; Hereditary neoplastic syndrome; Tumor predisposition; Neoplastic Syndromes, Hereditary. Identifiers: Orphanet 140162, MedGen C0027672, MeSH D009386, MONDO:0015356.
Papillary renal cell carcinoma type 1 (RCCP1). Also called: RENAL CELL CARCINOMA, PAPILLARY, 1, SOMATIC; Renal adenocarcinoma; Renal cell carcinoma 1; Renal cell carcinoma, somatic. Identifiers: Orphanet 47044, MedGen C1336839, OMIM 605074, HP:0011797.

gnomAD v4.1: 4 of 1,613,386 alleles (0.00025%); highest among the groups gnomAD compares: African/African-American, 0.0027%; no homozygotes.

Submissions (3):

Myriad Genetics, Inc.
Classification: Benign for Papillary renal cell carcinoma type 1. Last evaluated: 2024-11-11. Review status: criteria provided, single submitter. Criteria: Myriad Autosomal Dominant, Autosomal Recessive and X-Linked Classification Criteria (2023). Collection method: clinical testing. Allele origin: unknown.
Comment: This variant is considered benign. This variant is a silent/synonymous amino acid change and it is not expected to impact splicing.

Labcorp Genetics (formerly Invitae), Labcorp
Classification: Likely benign for Renal cell carcinoma. Last evaluated: 2024-05-14. Review status: criteria provided, single submitter. Criteria: Invitae Variant Classification Sherloc (09022015). Collection method: clinical testing. Allele origin: germline.

Ambry Genetics
Classification: Likely benign for Hereditary cancer-predisposing syndrome. Last evaluated: 2022-08-17. Review status: criteria provided, single submitter. Criteria: Ambry Variant Classification Scheme 2023. Collection method: clinical testing. Allele origin: germline.

NM_000245.4(MET):c.2367A>C (p.Ala789=)

Gene: MET (MET proto-oncogene, receptor tyrosine kinase; plus strand). Cytogenetic location: 7q31.2.
Variant type: single nucleotide variant.
Coding change: c.2367A>C on transcript NM_000245.4 (MANE Select); coding-DNA position 2367, A replaced by C.
Protein change: p.Ala789=; no amino-acid change (alanine 789 retained).
Molecular consequence: synonymous variant.
Genome position (GRCh38, 1-based): chr7:116,763,052, A>C. VCF-style: chr7-116763052-A-C. GRCh37 (hg19) VCF-style: chr7-116403106-A-C.
Other names: c.2421A>C, p.Ala807= (NM_001127500.3); c.2367A>C, p.Ala789= (NM_001324401.3); c.1077A>C, p.Ala359= (NM_001324402.2).
Identifiers: ClinVar variation 1791019 (VCV001791019.6), dbSNP rs910873191, ClinGen allele CA164897618.